The following is an entry in ClinVar:

ClinVar aggregate classification (germline): Uncertain significance. Review status: criteria provided, multiple submitters, no conflicts (2 of 4 stars). 2 submissions from 2 submitters: Uncertain significance (2). Last evaluated 2025-06-18.

Conditions:
Candidiasis, familial, 6 (CANDF6). Also called: Candidiasis, familial, 6, autosomal dominant. Identifiers: Orphanet 1334, MedGen C3151405, MONDO:0013503, OMIM 613956.

Allele frequency attached by ClinVar (database versions not stated): gnomAD 0.00001; TOPMed 0.00001; ExAC 0.00002.

Submissions (2):

Labcorp Genetics (formerly Invitae), Labcorp
Classification: Uncertain significance for Candidiasis, familial, 6. Last evaluated: 2025-06-18. Review status: criteria provided, single submitter. Criteria: Invitae Variant Classification Sherloc (09022015). Collection method: clinical testing. Allele origin: germline.
Comment: This sequence change affects the initiator codon of the IL17F mRNA. This change may impact translation initiation or efficiency. The next in-frame methionine is located at codon 11. This variant is present in population databases (rs752517532, gnomAD 0.004%). Disruption of the initiator codon has been observed in individual(s) with primary immunodeficiency (PMID: 35874679). ClinVar contains an entry for this variant (Variation ID: 1412057). Experimental studies and prediction algorithms are not available or were not evaluated, and the functional significance of this variant is currently unknown. In summary, the available evidence is currently insufficient to determine the role of this variant in disease. Therefore, it has been classified as a Variant of Uncertain Significance.

Center for Genomic Medicine, Rigshospitalet, Copenhagen University Hospital
Classification: Uncertain significance. Last evaluated: 2025-03-04. Review status: criteria provided, single submitter. Criteria: ACMG Guidelines, 2015. Collection method: clinical testing. Allele origin: germline.

Literature cited by the submitters: PubMed 35874679 (cited by Labcorp Genetics (formerly Invitae), Labcorp and Center for Genomic Medicine, Rigshospitalet, Copenhagen University Hospital).

NM_052872.4(IL17F):c.3G>C (p.Met1Ile)

Gene: IL17F (interleukin 17F; minus strand). Cytogenetic location: 6p12.2.
Variant type: single nucleotide variant.
Coding change: c.3G>C on transcript NM_052872.4 (MANE Select); coding-DNA position 3, G replaced by C.
Protein change: p.Met1Ile; changes the start codon (methionine 1).
Molecular consequence: missense variant, initiator codon variant.
Genome position (GRCh38, 1-based): chr6:52,244,427, C>G on the plus strand (G>C on the coding strand, the complement: IL17F is on the minus strand). VCF-style: chr6-52244427-C-G. GRCh37 (hg19) VCF-style: chr6-52109225-C-G.
Other names: short protein forms M1I.
Identifiers: ClinVar variation 1412057 (VCV001412057.8), dbSNP rs752517532, ClinGen allele CA3854486.
Genomic context (GRCh38, chr6:52,244,427, plus strand): 5'-CCTTAAACCAGAATGATTGCTGCTACTCACCATGGCTGGGCCATGCAGGGTCTTCACTGT[C>G]ATGTTGCGCTGGTGGCTTACTTTGTGCAGGAAGCTCTTTCTGTGAATGTATCTTCCTGTG-3'
Protein context (NP_443104.1, residues 1-11): [Met1Ile]TVKTLHGPAM